The following is an entry in ClinVar:

NM_000550.3(TYRP1):c.747G>A (p.Trp249Ter)

Gene: TYRP1 (tyrosinase related protein 1; plus strand). Cytogenetic location: 9p23.
Variant type: single nucleotide variant.
Coding change: c.747G>A on transcript NM_000550.3 (MANE Select); coding-DNA position 747, G replaced by A.
Protein change: p.Trp249Ter; replaces tryptophan 249 with a stop codon.
Molecular consequence: nonsense.
Genome position (GRCh38, 1-based): chr9:12,698,489, G>A. VCF-style: chr9-12698489-G-A. GRCh37 (hg19) VCF-style: chr9-12698489-G-A.
Other names: short protein forms W249*.
Identifiers: ClinVar variation 2866345 (VCV002866345.3), dbSNP rs771220162, ClinGen allele CA4985315.
Genomic context (GRCh38, chr9:12,698,489, plus strand): 5'-TAATGTGGTTTCTGTGATCTAGGAAATGTTGCAAGAGCCTTCTTTCTCCCTTCCTTACTG[G>A]AATTTTGCAACGGGGAAAAATGTCTGTGATATCTGCACGGATGACTTGATGGGATCCAGA-3'

ClinVar aggregate classification (germline): Pathogenic (1 of 4 stars; one submission).

Allele frequency attached by ClinVar (database versions not stated): TOPMed below 0.00001; ExAC 0.00001; gnomAD exomes 0.00001.
gnomAD v4.1: 15 of 1,613,726 alleles (0.00093%); highest among the groups gnomAD compares: Non-Finnish European, 0.0012%; no homozygotes.

Submission:

Labcorp Genetics (formerly Invitae), Labcorp
Classification: Pathogenic. Last evaluated: 2023-10-07. Review status: criteria provided, single submitter. Criteria: Invitae Variant Classification Sherloc (09022015). Collection method: clinical testing. Allele origin: germline.
Comment: This sequence change creates a premature translational stop signal (p.Trp249*) in the TYRP1 gene. It is expected to result in an absent or disrupted protein product. Loss-of-function variants in TYRP1 are known to be pathogenic (PMID: 8651291, 9345097). This variant is present in population databases (rs771220162, gnomAD 0.0009%). This variant has not been reported in the literature in individuals affected with TYRP1-related conditions. For these reasons, this variant has been classified as Pathogenic.

Literature cited by the submitters: PubMed 8651291; PubMed 9345097.